The following is an entry in ClinVar:

ClinVar aggregate classification (germline): Uncertain significance (1 of 4 stars; one submission).

Conditions:
Fabry disease. Also called: ALPHA-GALACTOSIDASE A DEFICIENCY; ANDERSON-FABRY DISEASE; CERAMIDE TRIHEXOSIDASE DEFICIENCY; GLA DEFICIENCY; HEREDITARY DYSTOPIC LIPIDOSIS; Angiokeratoma corporis diffusum. Identifiers: Orphanet 324, MedGen C0002986, MONDO:0010526, OMIM 301500, HP:0001071. Disease mechanism: Fabry disease is due to inactivating mutations in the X-linked GLA gene resulting in deficiency of the enzyme Alpha Galactosidase-A., loss of function.

Submission:

Genomenon, Inc
Classification: Uncertain significance for Fabry disease. Last evaluated: 2026-09-08. Review status: criteria provided, single submitter. Criteria: Genomenon Sequence Variant Interpretation Standards - Updated. Collection method: curation. Allele origin: germline. Affected: no.
Comment: GLA p.Glu418Gly (c.1253A>G) is a missense variant that changes the amino acid at codon 418 from Glutamic acid to Glycine. This variant has been reported in the published literature (PMID:23306324;26652600;34205365;23935525;32023956;31036492;27657681). It is absent or not present at a significant frequency in gnomAD. In conclusion, we classify GLA p.Glu418Gly (c.1253A>G) as a variant of uncertain significance.

Literature cited by the submitters: PubMed 23306324; PubMed 26652600; PubMed 34205365; PubMed 23935525; PubMed 32023956; PubMed 31036492; PubMed 27657681.

NM_000169.3(GLA):c.1253A>G (p.Glu418Gly)

Genes: GLA (galactosidase alpha; minus strand), RPL36A-HNRNPH2 (RPL36A-HNRNPH2 readthrough; plus strand). Cytogenetic location: Xq22.1.
Variant type: single nucleotide variant.
Coding change: c.1253A>G on transcript NM_000169.3 (MANE Select); coding-DNA position 1253, A replaced by G.
Protein change: p.Glu418Gly; replaces glutamic acid 418 with glycine.
Molecular consequence: missense variant. On other transcripts: non-coding transcript variant (3), intron variant (2).
Genome position (GRCh38, 1-based): chrX:101,397,846, T>C on the plus strand (A>G on the coding strand, the complement: GLA is on the minus strand). VCF-style: chrX-101397846-T-C. GRCh37 (hg19) VCF-style: chrX-100652834-T-C.
Other names: c.1376A>G, p.Glu459Gly (NM_001406747.1); c.300+2389T>C (NM_001199973.2); c.177+6024T>C (NM_001199974.2); short protein forms E418G, E459G.
Identifiers: ClinVar variation 4087675 (VCV004087675.2).
Genomic context (GRCh38, chrX:101,397,846, plus strand): 5'-TAGTTGGCAATAAAATAAACATTTTAAAGTAAGTCTTTTAATGACATCTGCATTGTATTT[T>C]CTAGCTGAAGCAAAACAGTGCCTGTGGGATTTATGTGACTTCTTAACCTTGAAGTCCATT-3'
Protein context (NP_000160.1, residues 408-428): NPTGTVLLQL[Glu418Gly]NTMQMSLKDL